The following is an entry in ClinVar:

ClinVar aggregate classification (germline): Uncertain significance (1 of 4 stars; one submission).

Conditions:
Fanconi anemia (FA). Also called: Fanconi's anemia. Identifiers: Orphanet 84, MedGen C0015625, MeSH D005199, MONDO:0019391.

Submission:

Labcorp Genetics (formerly Invitae), Labcorp
Classification: Uncertain significance for Fanconi anemia. Last evaluated: 2019-12-30. Review status: criteria provided, single submitter. Criteria: Invitae Variant Classification Sherloc (09022015). Collection method: clinical testing. Allele origin: germline.
Comment: This sequence change replaces leucine with proline at codon 491 of the FANCI protein (p.Leu491Pro). The leucine residue is highly conserved and there is a moderate physicochemical difference between leucine and proline. This variant is not present in population databases (ExAC no frequency). This variant has not been reported in the literature in individuals with FANCI-related conditions. Algorithms developed to predict the effect of missense changes on protein structure and function (SIFT, PolyPhen-2, Align-GVGD) all suggest that this variant is likely to be disruptive, but these predictions have not been confirmed by published functional studies and their clinical significance is uncertain. In summary, the available evidence is currently insufficient to determine the role of this variant in disease. Therefore, it has been classified as a Variant of Uncertain Significance.

NM_001113378.2(FANCI):c.1472T>C (p.Leu491Pro)

Gene: FANCI (FA complementation group I; plus strand). Cytogenetic location: 15q26.1.
Variant type: single nucleotide variant.
Coding change: c.1472T>C on transcript NM_001113378.2 (MANE Select); coding-DNA position 1472, T replaced by C.
Protein change: p.Leu491Pro; replaces leucine 491 with proline.
Molecular consequence: missense variant.
Genome position (GRCh38, 1-based): chr15:89,281,260, T>C. VCF-style: chr15-89281260-T-C. GRCh37 (hg19) VCF-style: chr15-89824491-T-C.
Other names: c.1193T>C, p.Leu398Pro (NM_001376910.1); c.1472T>C, p.Leu491Pro (NM_001376911.1, NM_018193.3); short protein forms L398P, L491P.
Identifiers: ClinVar variation 853316 (VCV000853316.9), dbSNP rs2053603695, ClinGen allele CA393743798.